The following is an entry in ClinVar:

ClinVar aggregate classification (germline): Conflicting classifications of pathogenicity. Review status: criteria provided, conflicting classifications (1 of 4 stars). 2 submissions from 2 submitters: Uncertain significance (1); Likely benign (1). Last evaluated 2025-03-19.

Conditions:
Kabuki syndrome. Also called: NIIKAWA-KUROKI SYNDROME; Kabuki make-up syndrome. Identifiers: Orphanet 2322, MedGen C0796004, MONDO:0016512.

Allele frequency attached by ClinVar (database versions not stated): gnomAD exomes below 0.00001 and 0.00001.
gnomAD v4.1: 5 of 1,528,286 alleles (0.00033%); highest among the groups gnomAD compares: Middle Eastern, 0.018%; no homozygotes.

Submissions (2):

Labcorp Genetics (formerly Invitae), Labcorp
Classification: Likely benign for Kabuki syndrome. Last evaluated: 2025-03-19. Review status: criteria provided, single submitter. Criteria: Invitae Variant Classification Sherloc (09022015). Collection method: clinical testing. Allele origin: germline.

GeneDx
Classification: Uncertain significance. Last evaluated: 2019-05-29. Review status: criteria provided, single submitter. Criteria: GeneDx Variant Classification Process June 2021. Collection method: clinical testing. Allele origin: germline. Affected: yes.
Comment: In silico analysis, which includes protein predictors and evolutionary conservation, supports a deleterious effect; Has not been previously published as pathogenic or benign to our knowledge

NM_003482.4(KMT2D):c.6647C>T (p.Ser2216Phe)

Gene: KMT2D (lysine methyltransferase 2D; minus strand). Cytogenetic location: 12q13.12.
Variant type: single nucleotide variant.
Coding change: c.6647C>T on transcript NM_003482.4 (MANE Select); coding-DNA position 6647, C replaced by T.
Protein change: p.Ser2216Phe; replaces serine 2216 with phenylalanine.
Molecular consequence: missense variant.
Genome position (GRCh38, 1-based): chr12:49,041,123, G>A on the plus strand (C>T on the coding strand, the complement: KMT2D is on the minus strand). VCF-style: chr12-49041123-G-A. GRCh37 (hg19) VCF-style: chr12-49434906-G-A.
Other names: short protein forms S2216F.
Identifiers: ClinVar variation 1302308 (VCV001302308.4), dbSNP rs1466593517, ClinGen allele CA384750182.
Genomic context (GRCh38, chr12:49,041,123, plus strand): 5'-TGTCTGGGGGTGCCAGGTGGGGTAGTGTGGAATTCCCCTGGCTGGCCAGCCCCAGGACGA[G>A]ATGAGGCGCCCAGCATCGGGGGCTGCGCAGGGGCCCCCGTAGGACTAGGATAGGGGGGAT-3'
Protein context (NP_003473.3, residues 2206-2226): PAQPPMLGAS[Ser2216Phe]RPGAGQPGEF